The following is an entry in ClinVar:

ClinVar aggregate classification (germline): Uncertain significance. Review status: criteria provided, multiple submitters, no conflicts (2 of 4 stars). 3 submissions from 3 submitters: Uncertain significance (3). Last evaluated 2025-01-23.

Conditions:
Inborn genetic diseases. Identifiers: MedGen C0950123, MeSH D030342.

Allele frequency attached by ClinVar (database versions not stated): gnomAD 0.00001; TOPMed 0.00001; ExAC 0.00002; gnomAD exomes 0.00003.
gnomAD v4.1: 49 of 1,613,752 alleles (0.003%); highest among the groups gnomAD compares: Non-Finnish European, 0.004%; no homozygotes.

Submissions (3):

Ambry Genetics
Classification: Uncertain significance for Inborn genetic diseases. Last evaluated: 2025-01-23. Review status: criteria provided, single submitter. Criteria: Ambry Variant Classification Scheme 2023. Collection method: clinical testing. Allele origin: germline.
Comment: The p.Y104C variant (also known as c.311A>G), located in coding exon 3 of the ETV6 gene, results from an A to G substitution at nucleotide position 311. The tyrosine at codon 104 is replaced by cysteine, an amino acid with highly dissimilar properties. This amino acid position is highly conserved in available vertebrate species. In addition, the in silico prediction for this alteration is inconclusive. Based on the available evidence, the clinical significance of this variant remains unclear.

Blueprint Genetics
Classification: Uncertain significance. Last evaluated: 2024-05-27. Review status: criteria provided, single submitter. Criteria: ACMG Guidelines, 2015. Collection method: clinical testing. Allele origin: germline.

GeneDx
Classification: Uncertain significance. Last evaluated: 2023-02-21. Review status: criteria provided, single submitter. Criteria: GeneDx Variant Classification Process June 2021. Collection method: clinical testing. Allele origin: germline. Affected: yes.
Comment: Not observed at significant frequency in large population cohorts (gnomAD); In silico analysis supports that this missense variant has a deleterious effect on protein structure/function; Has not been previously published as pathogenic or benign to our knowledge; This variant is associated with the following publications: (PMID: 28555414, 28637624)

NM_001987.5(ETV6):c.311A>G (p.Tyr104Cys)

Genes: ETV6 (ETS variant transcription factor 6; plus strand), LOC126861451 (BRD4-independent group 4 enhancer GRCh37_chr12:11991350-11992549; plus strand). Cytogenetic location: 12p13.2.
Variant type: single nucleotide variant.
Coding change: c.311A>G on transcript NM_001987.5 (MANE Select); coding-DNA position 311, A replaced by G.
Protein change: p.Tyr104Cys; replaces tyrosine 104 with cysteine.
Molecular consequence: missense variant.
Genome position (GRCh38, 1-based): chr12:11,839,287, A>G. VCF-style: chr12-11839287-A-G. GRCh37 (hg19) VCF-style: chr12-11992221-A-G.
Other names: c.308A>G, p.Tyr103Cys (NM_001413913.1); c.284A>G, p.Tyr95Cys (NM_001413914.1); c.47A>G, p.Tyr16Cys (NM_001413915.1); c.311A>G, p.Tyr104Cys (NM_001413916.1, NM_001413917.1, NM_001413918.1); short protein forms Y103C, Y104C, Y16C, Y95C.
Identifiers: ClinVar variation 2576927 (VCV002576927.3), dbSNP rs767103229, ClinGen allele CA6454194.